The following is an entry in ClinVar:

NM_001197104.2(KMT2A):c.179_202del (p.Val60_Ala67del)

Gene: KMT2A (lysine methyltransferase 2A; plus strand). Cytogenetic location: 11q23.3.
Variant type: Deletion.
Coding change: c.179_202del on transcript NM_001197104.2 (MANE Select); coding-DNA positions 179 to 202, 24 bases deleted (TGGCGGCCGCGGCGGCGGCGGCGG).
Protein change: p.Val60_Ala67del.
Molecular consequence: inframe deletion. On other transcripts: inframe indel (1).
Genome position (GRCh38, 1-based): chr11:118,436,691-118,436,714, TGGCGGCCGCGGCGGCGGCGGCGG deleted; deleting any 24 consecutive bases within chr11:118,436,690-118,436,714 gives the same sequence; the c. name uses the placement nearest the transcript's 3' end. VCF-style (leftmost placement, unchanged base first): chr11-118436689-TGTGGCGGCCGCGGCGGCGGCGGCG-T. GRCh37 (hg19) VCF-style: chr11-118307404-TGTGGCGGCCGCGGCGGCGGCGGCG-T.
Other names: c.179_202del24, p.Val60_Ala67del (NM_001412597.1); c.179_202del, p.Val60_Ala67del (NM_005933.4).
Identifiers: ClinVar variation 2023323 (VCV002023323.4), dbSNP rs2497099475, ClinGen allele CA2580083578.
Genomic context (GRCh38, chr11:118,436,689, plus strand): 5'-GCTTCCCCCCGGGCCCCCGGTCGGCGGTGGCGGCCCCGGGGCGCCCCCCTCCCCCCCGGC[TGTGGCGGCCGCGGCGGCGGCGGCG>T]GGAAGCAGCGGGGCTGGGGTTCCAGGGGGAGCGGCCGCCGCCTCAGCAGCCTCCTCGTCG-3'

ClinVar aggregate classification (germline): Uncertain significance (1 of 4 stars; one submission).

Submission:

Labcorp Genetics (formerly Invitae), Labcorp
Classification: Uncertain significance. Last evaluated: 2024-11-05. Review status: criteria provided, single submitter. Criteria: Invitae Variant Classification Sherloc (09022015). Collection method: clinical testing. Allele origin: germline.
Comment: This variant, c.179_202del, results in the deletion of 8 amino acid(s) of the KMT2A protein (p.Val60_Ala67del), but otherwise preserves the integrity of the reading frame. This variant is not present in population databases (gnomAD no frequency). This variant has not been reported in the literature in individuals affected with KMT2A-related conditions. ClinVar contains an entry for this variant (Variation ID: 2023323). Experimental studies and prediction algorithms are not available or were not evaluated, and the functional significance of this variant is currently unknown. In summary, the available evidence is currently insufficient to determine the role of this variant in disease. Therefore, it has been classified as a Variant of Uncertain Significance.